The following is an entry in ClinVar:

ClinVar aggregate classification (germline): Uncertain significance. Review status: criteria provided, multiple submitters, no conflicts (2 of 4 stars). 3 submissions from 3 submitters: Uncertain significance (3). Last evaluated 2025-09-10.

Conditions:
Cardiovascular phenotype. Identifiers: MedGen CN230736.
Danon disease. Also called: ANTOPOL DISEASE; PSEUDOGLYCOGENOSIS II; GSD IIb; LYSOSOMAL GLYCOGEN STORAGE DISEASE WITHOUT ACID MALTASE DEFICIENCY; Glycogen Storage Disease Type IIb. Identifiers: Orphanet 34587, MedGen C0878677, MONDO:0010281, OMIM 300257.

Allele frequency attached by ClinVar (database versions not stated): gnomAD exomes below 0.00001.
gnomAD v4.1: 1 of 1,206,932 alleles (0.000083%); highest among the groups gnomAD compares: African/African-American, 0.0017%; no homozygotes.

Submissions (3):

Labcorp Genetics (formerly Invitae), Labcorp
Classification: Uncertain significance for Danon disease. Last evaluated: 2025-09-10. Review status: criteria provided, single submitter. Criteria: Invitae Variant Classification Sherloc (09022015). Collection method: clinical testing. Allele origin: germline.
Comment: This sequence change replaces tyrosine, which is neutral and polar, with cysteine, which is neutral and slightly polar, at codon 281 of the LAMP2 protein (p.Tyr281Cys). This variant is not present in population databases (gnomAD no frequency). This missense change has been observed in individual(s) with dilated cardiomyopathy (PMID: 27532257). ClinVar contains an entry for this variant (Variation ID: 44439). Invitae Evidence Modeling of protein sequence and biophysical properties (such as structural, functional, and spatial information, amino acid conservation, physicochemical variation, residue mobility, and thermodynamic stability) indicates that this missense variant is expected to disrupt LAMP2 protein function with a positive predictive value of 80%. In summary, the available evidence is currently insufficient to determine the role of this variant in disease. Therefore, it has been classified as a Variant of Uncertain Significance.

Ambry Genetics
Classification: Uncertain significance for Cardiovascular phenotype. Last evaluated: 2022-06-06. Review status: criteria provided, single submitter. Criteria: Ambry Variant Classification Scheme 2023. Collection method: clinical testing. Allele origin: germline.

Laboratory for Molecular Medicine, Mass General Brigham Personalized Medicine
Classification: Uncertain significance. Last evaluated: 2011-12-08. Review status: criteria provided, single submitter. Criteria: LMM Criteria. Collection method: clinical testing. Allele origin: germline. Observed: 1 variant allele.
Comment: Variant classified as Uncertain Significance - Favor Benign. The Tyr281Cys varia nt (LAMP2) has not been previously reported. In addition, ty rosine (Tyr) at position 281 is not conserved in mammals and lower species, sugg esting that a change at this position may be tolerated. Computational prediction s are mixed on the predicted impact to the protein (AlignGVGD = benign and SIFT = pathogenic), though the accuracy of these tools is unknown. Importantly, path ogenic missense variants are very rare in the LAMP2 gene (most disease causing v ariants cause a loss of function). In summary, this variant is less likely disea se causing and is more likely a modifier or benign. However, additional evidenc e is needed to determine this with certainty.

Literature cited by the submitters: PubMed 27532257 (cited by Labcorp Genetics (formerly Invitae), Labcorp).

NM_002294.3(LAMP2):c.842A>G (p.Tyr281Cys)

Gene: LAMP2 (lysosome associated membrane protein 2; minus strand). Cytogenetic location: Xq24.
Variant type: single nucleotide variant.
Coding change: c.842A>G on transcript NM_002294.3 (MANE Select); coding-DNA position 842, A replaced by G.
Protein change: p.Tyr281Cys; replaces tyrosine 281 with cysteine.
Molecular consequence: missense variant.
Genome position (GRCh38, 1-based): chrX:120,446,327, T>C on the plus strand (A>G on the coding strand, the complement: LAMP2 is on the minus strand). VCF-style: chrX-120446327-T-C. GRCh37 (hg19) VCF-style: chrX-119580182-T-C.
Other names: c.842A>G, p.Tyr281Cys (NM_001122606.1, NM_013995.2); short protein forms Y281C.
Identifiers: ClinVar variation 44439 (VCV000044439.14), dbSNP rs397516748, ClinGen allele CA134190.
Genomic context (GRCh38, chrX:120,446,327, plus strand): 5'-AAGAGAATGAACCTAACTTTAAAAAATCTGTTACTCACCACAGCAAAGACAAAGTCTAGA[T>C]ACTTAATGGTGCTGCTATTGAGTCTAAGTAGAGCAGTGTGAGAACGGCAGCTGCCTGTGG-3'
Protein context (NP_002285.1, residues 271-291): LLRLNSSTIK[Tyr281Cys]LDFVFAVKNE